The following is an entry in ClinVar:

ClinVar aggregate classification (germline): Conflicting classifications of pathogenicity. Review status: criteria provided, conflicting classifications (1 of 4 stars). 4 submissions from 4 submitters: Uncertain significance (2); Likely benign (2). Last evaluated 2026-01-28.

Conditions:
Kleefstra syndrome 1 (KLEFS1). Identifiers: Orphanet 261494, MedGen C0795833, MONDO:0027407, OMIM 610253.
Inborn genetic diseases. Identifiers: MedGen C0950123, MeSH D030342.

gnomAD v4.1: 1 of 1,565,026 alleles (0.000064%); highest among the groups gnomAD compares: Non-Finnish European, 0.000087%; no homozygotes.

Submissions (4):

Labcorp Genetics (formerly Invitae), Labcorp
Classification: Uncertain significance for Kleefstra syndrome 1. Last evaluated: 2026-01-28. Review status: criteria provided, single submitter. Criteria: Invitae Variant Classification Sherloc (09022015). Collection method: clinical testing. Allele origin: germline.
Comment: This sequence change replaces proline, which is neutral and non-polar, with serine, which is neutral and polar, at codon 31 of the EHMT1 protein (p.Pro31Ser). This variant is not present in population databases (gnomAD no frequency). This variant has not been reported in the literature in individuals affected with EHMT1-related conditions. ClinVar contains an entry for this variant (Variation ID: 196517). An algorithm developed to predict the effect of missense changes on protein structure and function outputs the following: PolyPhen-2: "Benign". The serine amino acid residue is found in multiple mammalian species, which suggests that this missense change does not adversely affect protein function. In summary, the available evidence is currently insufficient to determine the role of this variant in disease. Therefore, it has been classified as a Variant of Uncertain Significance.

Ambry Genetics
Classification: Likely benign for Inborn genetic diseases. Last evaluated: 2025-01-01. Review status: criteria provided, single submitter. Criteria: Ambry Variant Classification Scheme 2023. Collection method: clinical testing. Allele origin: germline.

Institute of Human Genetics, FAU Erlangen, Friedrich-Alexander-Universität Erlangen-Nürnberg
Classification: Likely benign for Kleefstra syndrome 1. Last evaluated: 2023-03-08. Review status: criteria provided, single submitter. Criteria: Hauer et al. (Genet Med. 2018). Collection method: clinical testing. Allele origin: germline. Inheritance: Autosomal dominant inheritance. Affected: yes. Observed: 2 variant alleles.
Comment: This variant has been identified by standard clinical testing.

Eurofins Ntd Llc (ga)
Classification: Uncertain significance. Last evaluated: 2015-04-03. Review status: criteria provided, single submitter. Criteria: EGL Classification Definitions 2015. Collection method: clinical testing. Allele origin: germline. Observed: 2 variant alleles, 2 heterozygotes.

NM_024757.5(EHMT1):c.91C>T (p.Pro31Ser)

Gene: EHMT1 (euchromatic histone lysine methyltransferase 1; plus strand). Cytogenetic location: 9q34.3.
Variant type: single nucleotide variant.
Coding change: c.91C>T on transcript NM_024757.5 (MANE Select); coding-DNA position 91, C replaced by T.
Protein change: p.Pro31Ser; replaces proline 31 with serine.
Molecular consequence: missense variant. On other transcripts: 5 prime UTR variant (2).
Genome position (GRCh38, 1-based): chr9:137,716,631, C>T. VCF-style: chr9-137716631-C-T. GRCh37 (hg19) VCF-style: chr9-140611083-C-T.
Other names: c.91C>T, p.Pro31Ser (NM_001145527.2, NM_001354263.2, NM_001354611.2); c.-3C>T (NM_001354259.2, NM_001354612.2); c.91C>T (NM_024757.4); short protein forms P31S.
Identifiers: ClinVar variation 196517 (VCV000196517.11), dbSNP rs759512176, ClinGen allele CA243491.